The following is an entry in ClinVar:

ClinVar aggregate classification (germline): Benign/Likely benign. Review status: criteria provided, multiple submitters, no conflicts (2 of 4 stars). 3 submissions from 3 submitters: Benign (2); Likely benign (1). Last evaluated 2026-04-01.

Conditions:
Hereditary spastic paraplegia 8 (SPG8). Also called: SPASTIC PARAPLEGIA 8, AUTOSOMAL DOMINANT. Identifiers: Orphanet 100989, MedGen C1863704, MONDO:0011339, OMIM 603563.
Ritscher-Schinzel syndrome. Also called: CRANIOCEREBELLOCARDIAC DYSPLASIA. Identifiers: Orphanet 7, MedGen C0796137, MONDO:0019078.

Allele frequency attached by ClinVar (database versions not stated): gnomAD 0.00016 and 0.00033; TOPMed 0.00017; gnomAD exomes 0.00054; ExAC 0.00056; 1000 Genomes Project 30x 0.00109; 1000 Genomes Project 0.00120.
gnomAD v4.1: 537 of 1,610,412 alleles (0.033%); highest among the groups gnomAD compares: East Asian, 1.2%; 8 homozygotes.

Submissions (3):

CeGaT Center for Human Genetics Tuebingen
Classification: Likely benign. Last evaluated: 2026-04-01. Review status: criteria provided, single submitter. Criteria: CeGaT Center For Human Genetics Tuebingen Variant Classification Criteria Version 2. Collection method: clinical testing. Allele origin: germline. Affected: yes. Observed: 1 variant allele.
Comment: WASHC5: BP4, BS1

Labcorp Genetics (formerly Invitae), Labcorp
Classification: Benign for Ritscher-Schinzel syndrome; Hereditary spastic paraplegia 8. Last evaluated: 2024-11-09. Review status: criteria provided, single submitter. Criteria: Invitae Variant Classification Sherloc (09022015). Collection method: clinical testing. Allele origin: germline.

Illumina Laboratory Services, Illumina
Classification: Benign for Hereditary spastic paraplegia 8. Last evaluated: 2018-01-12. Review status: criteria provided, single submitter. Criteria: ICSL Variant Classification Criteria 13 December 2019. Collection method: clinical testing. Allele origin: germline.
Comment: This variant was observed in the ICSL laboratory as part of a predisposition screen in an ostensibly healthy population. It had not been previously curated by ICSL or reported in the Human Gene Mutation Database (HGMD: prior to June 1st, 2018), and was therefore a candidate for classification through an automated scoring system. Utilizing variant allele frequency, disease prevalence and penetrance estimates, and inheritance mode, an automated score was calculated to assess if this variant is too frequent to cause the disease. Based on the score and internal cut-off values, a variant classified as benign is not then subjected to further curation. The score for this variant resulted in a classification of benign for this disease.

NM_014846.4(WASHC5):c.2199+4C>A

Gene: WASHC5 (WASH complex subunit 5; minus strand). Cytogenetic location: 8q24.13.
Variant type: single nucleotide variant.
Coding change: c.2199+4C>A on transcript NM_014846.4 (MANE Select); 4 bases into the intron after coding-DNA position 2199, C replaced by A.
Molecular consequence: intron variant.
Genome position (GRCh38, 1-based): chr8:125,050,560, G>T on the plus strand (C>A on the coding strand, the complement: WASHC5 is on the minus strand). VCF-style: chr8-125050560-G-T. GRCh37 (hg19) VCF-style: chr8-126062802-G-T.
Other names: c.1755+4C>A (NM_001330609.2).
Identifiers: ClinVar variation 361716 (VCV000361716.14), dbSNP rs145721086, ClinGen allele CA4873592.
Genomic context (GRCh38, chr8:125,050,560, plus strand): 5'-GCATTCTAGTCCATGCTGCAAGCTGGGCGGAGAAGAGGACAGGCCCACTCTGGTCACTGG[G>T]TACCTTGGCTCGAGGGTTGAATATCAGTCCCCTATGCAGGGCAAAGGCAACGCGCTTCAC-3'